The following is an entry in ClinVar:

NM_004082.5(DCTN1):c.1000G>A (p.Glu334Lys)

Gene: DCTN1 (dynactin subunit 1; minus strand). Cytogenetic location: 2p13.1.
Variant type: single nucleotide variant.
Coding change: c.1000G>A on transcript NM_004082.5 (MANE Select); coding-DNA position 1000, G replaced by A.
Protein change: p.Glu334Lys; replaces glutamic acid 334 with lysine.
Molecular consequence: missense variant. On other transcripts: non-coding transcript variant (1).
Genome position (GRCh38, 1-based): chr2:74,370,669, C>T on the plus strand (G>A on the coding strand, the complement: DCTN1 is on the minus strand). VCF-style: chr2-74370669-C-T. GRCh37 (hg19) VCF-style: chr2-74597796-C-T.
Other names: c.940G>A, p.Glu314Lys (NM_001135040.3); c.598G>A, p.Glu200Lys (NM_001135041.3, NM_023019.4); c.889G>A, p.Glu297Lys (NM_001190836.2); c.979G>A, p.Glu327Lys (NM_001190837.2); c.949G>A, p.Glu317Lys (NM_001378991.1); c.931G>A, p.Glu311Lys (NM_001378992.1); short protein forms E327K, E200K, E297K, E314K, E334K, E311K, E317K.
Identifiers: ClinVar variation 2079591 (VCV002079591.4), dbSNP rs563898085, ClinGen allele CA1722272.

ClinVar aggregate classification (germline): Uncertain significance (1 of 4 stars; one submission).

Conditions:
Amyotrophic lateral sclerosis type 1 (ALS1). Also called: AMYOTROPHIC LATERAL SCLEROSIS 1, FAMILIAL. Identifiers: Orphanet 803, MedGen C1862939, MONDO:0007103, OMIM 105400.
Neuronopathy, distal hereditary motor, type 7B. Also called: Distal Hereditary Motor Neuronopathy Type 7B (dHMN7B); HMN VIIB; NEURONOPATHY, DISTAL HEREDITARY MOTOR, AUTOSOMAL DOMINANT 14; NEURONOPATHY, DISTAL HEREDITARY MOTOR, HARDING TYPE VIIB; NEUROPATHY, DISTAL HEREDITARY MOTOR, HARDING TYPE VIIB; NEUROPATHY, DISTAL HEREDITARY MOTOR, WITH VOCAL CORD PARALYSIS, HARDING TYPE VIIB. Identifiers: Orphanet 139589, MedGen C1843315, MONDO:0011879, OMIM 607641.
Perry syndrome. Also called: PARKINSONISM WITH ALVEOLAR HYPOVENTILATION AND MENTAL DEPRESSION. Identifiers: Orphanet 178509, MedGen C1868594, MONDO:0008201, OMIM 168605.

Allele frequency attached by ClinVar (database versions not stated): TOPMed below 0.00001; gnomAD 0.00001; 1000 Genomes Project 30x 0.00016; 1000 Genomes Project 0.00020.
gnomAD v4.1: 6 of 1,614,194 alleles (0.00037%); highest among the groups gnomAD compares: African/African-American, 0.004%; no homozygotes.

Submission:

Labcorp Genetics (formerly Invitae), Labcorp
Classification: Uncertain significance for Amyotrophic lateral sclerosis type 1; Neuronopathy, distal hereditary motor, type 7B; Perry syndrome. Last evaluated: 2022-04-27. Review status: criteria provided, single submitter. Criteria: Invitae Variant Classification Sherloc (09022015). Collection method: clinical testing. Allele origin: germline.
Comment: This sequence change replaces glutamic acid, which is acidic and polar, with lysine, which is basic and polar, at codon 334 of the DCTN1 protein (p.Glu334Lys). This variant is present in population databases (rs563898085, gnomAD 0.006%). This variant has not been reported in the literature in individuals affected with DCTN1-related conditions. Algorithms developed to predict the effect of missense changes on protein structure and function (SIFT, PolyPhen-2, Align-GVGD) all suggest that this variant is likely to be disruptive. In summary, the available evidence is currently insufficient to determine the role of this variant in disease. Therefore, it has been classified as a Variant of Uncertain Significance.